The following is an entry in ClinVar:

NM_016580.4(PCDH12):c.473G>T (p.Arg158Ile)

Genes: PCDH12 (protocadherin 12; minus strand), RNF14 (ring finger protein 14; plus strand). Cytogenetic location: 5q31.3.
Variant type: single nucleotide variant.
Coding change: c.473G>T on transcript NM_016580.4 (MANE Select); coding-DNA position 473, G replaced by T.
Protein change: p.Arg158Ile; replaces arginine 158 with isoleucine.
Molecular consequence: missense variant.
Genome position (GRCh38, 1-based): chr5:141,957,379, C>A on the plus strand (G>T on the coding strand, the complement: PCDH12 is on the minus strand). VCF-style: chr5-141957379-C-A. GRCh37 (hg19) VCF-style: chr5-141336944-C-A.
Other names: short protein forms R158I.
Identifiers: ClinVar variation 1424900 (VCV001424900.3), dbSNP rs2126930655, ClinGen allele CA361591235.

ClinVar aggregate classification (germline): Uncertain significance (1 of 4 stars; one submission).

Submission:

Labcorp Genetics (formerly Invitae), Labcorp
Classification: Uncertain significance. Last evaluated: 2022-09-06. Review status: criteria provided, single submitter. Criteria: Invitae Variant Classification Sherloc (09022015). Collection method: clinical testing. Allele origin: germline.
Comment: This sequence change replaces arginine, which is basic and polar, with isoleucine, which is neutral and non-polar, at codon 158 of the PCDH12 protein (p.Arg158Ile). This variant is not present in population databases (gnomAD no frequency). This variant has not been reported in the literature in individuals affected with PCDH12-related conditions. ClinVar contains an entry for this variant (Variation ID: 1424900). Advanced modeling of protein sequence and biophysical properties (such as structural, functional, and spatial information, amino acid conservation, physicochemical variation, residue mobility, and thermodynamic stability) performed at Invitae indicates that this missense variant is not expected to disrupt PCDH12 protein function. In summary, the available evidence is currently insufficient to determine the role of this variant in disease. Therefore, it has been classified as a Variant of Uncertain Significance.